The following is an entry in ClinVar:

ClinVar aggregate classification (germline): Likely benign. Review status: criteria provided, single submitter (1 of 4 stars). 2 submissions from 2 submitters: Likely benign (1). 1 of the submissions does not count toward it. Last evaluated 2024-01-01.

Conditions:
PICALM-related disorder. Also called: PICALM-related condition.

Allele frequency attached by ClinVar (database versions not stated): 1000 Genomes Project 0.00060; 1000 Genomes Project 30x 0.00062; ExAC 0.00153; gnomAD 0.00167; TOPMed 0.00174; ESP Exome Variant Server 0.00208; gnomAD exomes 0.00209.
gnomAD v4.1: 3,276 of 1,609,486 alleles (0.2%); highest among the groups gnomAD compares: Non-Finnish European, 0.24%; 5 homozygotes.

Submissions (2):

CeGaT Center for Human Genetics Tuebingen
Classification: Likely benign. Last evaluated: 2024-01-01. Review status: criteria provided, single submitter. Criteria: CeGaT Center For Human Genetics Tuebingen Variant Classification Criteria Version 2. Collection method: clinical testing. Allele origin: germline. Affected: yes. Observed: 2 variant alleles.
Comment: PICALM: BP4

PreventionGenetics, part of Exact Sciences
Classification: Likely benign for PICALM-related condition. Last evaluated: 2019-02-21. Review status: no assertion criteria provided. Collection method: clinical testing. Allele origin: germline. Not counted in ClinVar's aggregate classification.
Comment: This variant is classified as likely benign based on ACMG/AMP sequence variant interpretation guidelines (Richards et al. 2015 PMID: 25741868, with internal and published modifications).

NM_007166.4(PICALM):c.1231G>C (p.Ala411Pro)

Gene: PICALM (phosphatidylinositol binding clathrin assembly protein; minus strand). Cytogenetic location: 11q14.2.
Variant type: single nucleotide variant.
Coding change: c.1231G>C on transcript NM_007166.4 (MANE Select); coding-DNA position 1231, G replaced by C.
Protein change: p.Ala411Pro; replaces alanine 411 with proline.
Molecular consequence: missense variant.
Genome position (GRCh38, 1-based): chr11:85,996,853, C>G on the plus strand (G>C on the coding strand, the complement: PICALM is on the minus strand). VCF-style: chr11-85996853-C-G. GRCh37 (hg19) VCF-style: chr11-85707896-C-G.
Other names: c.1231G>C, p.Ala411Pro (NM_001008660.3, NM_001206946.2, NM_001411034.1); c.1078G>C, p.Ala360Pro (NM_001206947.2); c.1231G>C (NM_007166.3); short protein forms A360P, A411P.
Identifiers: ClinVar variation 3024905 (VCV003024905.23), dbSNP rs34013602, ClinGen allele CA6215838.